The following is an entry in ClinVar:

NM_000338.3(SLC12A1):c.794C>T (p.Ala265Val)

Gene: SLC12A1 (solute carrier family 12 member 1; plus strand). Cytogenetic location: 15q21.1.
Variant type: single nucleotide variant.
Coding change: c.794C>T on transcript NM_000338.3 (MANE Select); coding-DNA position 794, C replaced by T.
Protein change: p.Ala265Val; replaces alanine 265 with valine.
Molecular consequence: missense variant.
Genome position (GRCh38, 1-based): chr15:48,229,258, C>T. VCF-style: chr15-48229258-C-T. GRCh37 (hg19) VCF-style: chr15-48521455-C-T.
Other names: c.794C>T, p.Ala265Val (NM_001184832.2, NM_001384136.1); short protein forms A265V.
Identifiers: ClinVar variation 1959387 (VCV001959387.6), dbSNP rs754793603, ClinGen allele CA7546903.

ClinVar aggregate classification (germline): Uncertain significance. Review status: criteria provided, multiple submitters, no conflicts (2 of 4 stars). 2 submissions from 2 submitters: Uncertain significance (2). Last evaluated 2023-11-27.

Allele frequency attached by ClinVar (database versions not stated): TOPMed below 0.00001; gnomAD exomes 0.00001; ExAC 0.00002.

Submissions (2):

Labcorp Genetics (formerly Invitae), Labcorp
Classification: Uncertain significance. Last evaluated: 2023-11-27. Review status: criteria provided, single submitter. Criteria: Invitae Variant Classification Sherloc (09022015). Collection method: clinical testing. Allele origin: germline.
Comment: This sequence change replaces alanine, which is neutral and non-polar, with valine, which is neutral and non-polar, at codon 265 of the SLC12A1 protein (p.Ala265Val). This variant is present in population databases (rs754793603, gnomAD no frequency). This variant has not been reported in the literature in individuals affected with SLC12A1-related conditions. ClinVar contains an entry for this variant (Variation ID: 1959387). Advanced modeling of protein sequence and biophysical properties (such as structural, functional, and spatial information, amino acid conservation, physicochemical variation, residue mobility, and thermodynamic stability) performed at Invitae indicates that this missense variant is expected to disrupt SLC12A1 protein function with a positive predictive value of 80%. In summary, the available evidence is currently insufficient to determine the role of this variant in disease. Therefore, it has been classified as a Variant of Uncertain Significance.

Blueprint Genetics
Classification: Uncertain significance. Last evaluated: 2021-08-11. Review status: criteria provided, single submitter. Criteria: ACMG Guidelines, 2015. Collection method: clinical testing. Allele origin: germline.